The following is an entry in ClinVar:

NM_001365999.1(SZT2):c.9739C>G (p.Leu3247Val)

Genes: SZT2 (SZT2 subunit of KICSTOR complex; plus strand), SZT2-AS1 (SZT2 antisense RNA 1; minus strand). Cytogenetic location: 1p34.2.
Variant type: single nucleotide variant.
Coding change: c.9739C>G on transcript NM_001365999.1 (MANE Select); coding-DNA position 9739, C replaced by G.
Protein change: p.Leu3247Val; replaces leucine 3247 with valine.
Molecular consequence: missense variant. On other transcripts: non-coding transcript variant (1).
Genome position (GRCh38, 1-based): chr1:43,448,254, C>G. VCF-style: chr1-43448254-C-G. GRCh37 (hg19) VCF-style: chr1-43913925-C-G.
Other names: c.9568C>G, p.Leu3190Val (NM_015284.4); c.9568C>G (NM_015284.3); short protein forms L3190V, L3247V.
Identifiers: ClinVar variation 1003096 (VCV001003096.9), dbSNP rs775221456, ClinGen allele CA811003.

ClinVar aggregate classification (germline): Uncertain significance. Review status: criteria provided, multiple submitters, no conflicts (2 of 4 stars). 2 submissions from 2 submitters: Uncertain significance (2). Last evaluated 2025-12-10.

Conditions:
SZT2-related disorder. Also called: SZT2-related condition.

gnomAD v4.1: 24 of 1,581,232 alleles (0.0015%); highest among the groups gnomAD compares: Non-Finnish European, 0.0021%; no homozygotes.

Submissions (2):

PreventionGenetics, part of Exact Sciences
Classification: Uncertain significance for SZT2-related condition. Last evaluated: 2025-12-10. Review status: criteria provided, single submitter. Criteria: ACMG Guidelines, 2015. Collection method: clinical testing. Allele origin: germline.
Comment: The SZT2 c.9568C>G variant is predicted to result in the amino acid substitution p.Leu3190Val. To our knowledge, this variant has not been reported in the literature. This variant is reported in 0.0% of alleles in individuals of African descent in gnomAD. At this time, the clinical significance of this variant is uncertain due to the absence of conclusive functional and genetic evidence.

Labcorp Genetics (formerly Invitae), Labcorp
Classification: Uncertain significance. Last evaluated: 2020-08-08. Review status: criteria provided, single submitter. Criteria: Invitae Variant Classification Sherloc (09022015). Collection method: clinical testing. Allele origin: germline.
Comment: This sequence change replaces leucine with valine at codon 3190 of the SZT2 protein (p.Leu3190Val). The leucine residue is highly conserved and there is a small physicochemical difference between leucine and valine. In summary, this variant has uncertain impact on SZT2 function. The available evidence is currently insufficient to determine its role in disease. Therefore, it has been classified as a Variant of Uncertain Significance. Algorithms developed to predict the effect of missense changes on protein structure and function (SIFT, PolyPhen-2, Align-GVGD) all suggest that this variant is likely to be tolerated, but these predictions have not been confirmed by published functional studies and their clinical significance is uncertain. This variant has not been reported in the literature in individuals with an SZT2-related disease. The frequency data for this variant in the population databases is considered unreliable, as metrics indicate poor data quality at this position in the ExAC database.